The following is an entry in ClinVar:

NM_006208.3(ENPP1):c.2161A>G (p.Ser721Gly)

Gene: ENPP1 (ectonucleotide pyrophosphatase/phosphodiesterase 1; plus strand). Cytogenetic location: 6q23.2.
Variant type: single nucleotide variant.
Coding change: c.2161A>G on transcript NM_006208.3 (MANE Select); coding-DNA position 2161, A replaced by G.
Protein change: p.Ser721Gly; replaces serine 721 with glycine.
Molecular consequence: missense variant.
Genome position (GRCh38, 1-based): chr6:131,882,405, A>G. VCF-style: chr6-131882405-A-G. GRCh37 (hg19) VCF-style: chr6-132203545-A-G.
Other names: short protein forms S721G.
Identifiers: ClinVar variation 1925756 (VCV001925756.5), dbSNP rs1757305506, ClinGen allele CA365653958.
Genomic context (GRCh38, chr6:131,882,405, plus strand): 5'-GACAGTTTCTCTACGGAAGACTTCTCCAACTGTCTGTACCAGGACTTTAGAATTCCTCTT[A>G]GTCCTGTCCATAAATGTTCATTTTATAAAAATAACACCAAAGTGAGTTACGGGTTCCTCT-3'
Protein context (NP_006199.2, residues 711-731): CLYQDFRIPL[Ser721Gly]PVHKCSFYKN

ClinVar aggregate classification (germline): Uncertain significance (1 of 4 stars; one submission).

Allele frequency attached by ClinVar (database versions not stated): TOPMed below 0.00001.

Submission:

Labcorp Genetics (formerly Invitae), Labcorp
Classification: Uncertain significance. Last evaluated: 2022-10-13. Review status: criteria provided, single submitter. Criteria: Invitae Variant Classification Sherloc (09022015). Collection method: clinical testing. Allele origin: germline.
Comment: This sequence change replaces serine, which is neutral and polar, with glycine, which is neutral and non-polar, at codon 721 of the ENPP1 protein (p.Ser721Gly). This variant is not present in population databases (gnomAD no frequency). This variant has not been reported in the literature in individuals affected with ENPP1-related conditions. Advanced modeling of protein sequence and biophysical properties (such as structural, functional, and spatial information, amino acid conservation, physicochemical variation, residue mobility, and thermodynamic stability) performed at Invitae indicates that this missense variant is not expected to disrupt ENPP1 protein function. In summary, the available evidence is currently insufficient to determine the role of this variant in disease. Therefore, it has been classified as a Variant of Uncertain Significance.